The following is an entry in ClinVar:

NM_005475.3(SH2B3):c.1328G>T (p.Arg443Leu)

Gene: SH2B3 (SH2B adaptor protein 3; plus strand). Cytogenetic location: 12q24.12.
Variant type: single nucleotide variant.
Coding change: c.1328G>T on transcript NM_005475.3 (MANE Select); coding-DNA position 1328, G replaced by T.
Protein change: p.Arg443Leu; replaces arginine 443 with leucine.
Molecular consequence: missense variant.
Genome position (GRCh38, 1-based): chr12:111,447,747, G>T. VCF-style: chr12-111447747-G-T. GRCh37 (hg19) VCF-style: chr12-111885551-G-T.
Other names: c.722G>T, p.Arg241Leu (NM_001291424.1); short protein forms R241L, R443L.
Identifiers: ClinVar variation 4864432 (VCV004864432.1).
Genomic context (GRCh38, chr12:111,447,747, plus strand): 5'-AGTGCCGTGTGCAGCACCTCCACTTTCCCTCGGTCGTGGACATGCTCCACCACTTCCAGC[G>T]CTCGCCCATCCCACTCGAGTGCGGCGCCGCCTGTGATGTCCGGCTCTCCAGCTACGTGGT-3'
Protein context (NP_005466.1, residues 433-453): SVVDMLHHFQ[Arg443Leu]SPIPLECGAA

ClinVar aggregate classification (germline): Uncertain significance (1 of 4 stars; one submission).

Conditions:
Inborn genetic diseases. Identifiers: MedGen C0950123, MeSH D030342.

Submission:

Ambry Genetics
Classification: Uncertain significance for Inborn genetic diseases. Last evaluated: 2026-04-25. Review status: criteria provided, single submitter. Criteria: Ambry Variant Classification Scheme 2023. Collection method: clinical testing. Allele origin: germline.
Comment: The p.R443L variant (also known as c.1328G>T), located in coding exon 6 of the SH2B3 gene, results from a G to T substitution at nucleotide position 1328. The arginine at codon 443 is replaced by leucine, an amino acid with dissimilar properties. This amino acid position is conserved. In addition, this alteration is predicted to be tolerated by in silico analysis. Based on the available evidence, the clinical significance of this variant remains unclear.